The following is an entry in ClinVar:

NM_004360.5(CDH1):c.2088G>T (p.Arg696Ser)

Gene: CDH1 (cadherin 1; plus strand). Cytogenetic location: 16q22.1.
Variant type: single nucleotide variant.
Coding change: c.2088G>T on transcript NM_004360.5 (MANE Select); coding-DNA position 2088, G replaced by T.
Protein change: p.Arg696Ser; replaces arginine 696 with serine.
Molecular consequence: missense variant.
Genome position (GRCh38, 1-based): chr16:68,823,550, G>T. VCF-style: chr16-68823550-G-T. GRCh37 (hg19) VCF-style: chr16-68857453-G-T.
Other names: c.1905G>T, p.Arg635Ser (NM_001317184.2); c.540G>T, p.Arg180Ser (NM_001317185.2); c.123G>T, p.Arg41Ser (NM_001317186.2); short protein forms R635S, R696S, R180S, R41S.
Identifiers: ClinVar variation 2703027 (VCV002703027.3), dbSNP rs1596965969, ClinGen allele CA396467827.

ClinVar aggregate classification (germline): Uncertain significance (1 of 4 stars; one submission).

Conditions:
Hereditary diffuse gastric adenocarcinoma (HDGC). Also called: DIFFUSE GASTRIC AND LOBULAR BREAST CANCER SYNDROME. Identifiers: Orphanet 26106, MedGen C1708349, MONDO:0007648, OMIM 137215.

Submission:

Labcorp Genetics (formerly Invitae), Labcorp
Classification: Uncertain significance for Hereditary diffuse gastric adenocarcinoma. Last evaluated: 2025-08-11. Review status: criteria provided, single submitter. Criteria: Invitae Variant Classification Sherloc (09022015). Collection method: clinical testing. Allele origin: germline.
Comment: This sequence change replaces arginine, which is basic and polar, with serine, which is neutral and polar, at codon 696 of the CDH1 protein (p.Arg696Ser). This variant is not present in population databases (gnomAD no frequency). This variant has not been reported in the literature in individuals affected with CDH1-related conditions. ClinVar contains an entry for this variant (Variation ID: 2703027). An algorithm developed to predict the effect of missense changes on protein structure and function (PolyPhen-2) suggests that this variant is likely to be tolerated. In summary, the available evidence is currently insufficient to determine the role of this variant in disease. Therefore, it has been classified as a Variant of Uncertain Significance.